The following is an entry in ClinVar:

NM_002024.6(FMR1):c.1636C>T (p.Arg546Cys)

Gene: FMR1 (fragile X messenger ribonucleoprotein 1; plus strand). Cytogenetic location: Xq27.3.
Variant type: single nucleotide variant.
Coding change: c.1636C>T on transcript NM_002024.6 (MANE Select); coding-DNA position 1636, C replaced by T.
Protein change: p.Arg546Cys; replaces arginine 546 with cysteine.
Molecular consequence: missense variant. On other transcripts: synonymous variant (2), non-coding transcript variant (2).
Genome position (GRCh38, 1-based): chrX:147,945,033, C>T. VCF-style: chrX-147945033-C-T. GRCh37 (hg19) VCF-style: chrX-147026553-C-T.
Other names: c.1365C>T, p.Asp455= (NM_001185075.2); c.1573C>T, p.Arg525Cys (NM_001185076.2); c.1302C>T, p.Asp434= (NM_001185081.2); c.1498C>T, p.Arg500Cys (NM_001185082.2); short protein forms R500C, R525C, R546C.
Identifiers: ClinVar variation 3369960 (VCV003369960.1).

ClinVar aggregate classification (germline): Uncertain significance (1 of 4 stars; one submission).

gnomAD v4.1: 2 of 1,182,656 alleles (0.00017%); highest among the groups gnomAD compares: Non-Finnish European, 0.00023%; no homozygotes.

Submission:

GeneDx
Classification: Uncertain significance. Last evaluated: 2023-12-17. Review status: criteria provided, single submitter. Criteria: GeneDx Variant Classification Process June 2021. Collection method: clinical testing. Allele origin: germline. Affected: yes.
Comment: Not observed at significant frequency in large population cohorts (gnomAD); In silico analysis supports that this missense variant has a deleterious effect on protein structure/function; Has not been previously published as pathogenic or benign to our knowledge